The following is an entry in ClinVar:

NM_014915.3(ANKRD26):c.3254A>T (p.Asp1085Val)

Gene: ANKRD26 (ankyrin repeat domain 26; minus strand). Cytogenetic location: 10p12.1.
Variant type: single nucleotide variant.
Coding change: c.3254A>T on transcript NM_014915.3 (MANE Select); coding-DNA position 3254, A replaced by T.
Protein change: p.Asp1085Val; replaces aspartic acid 1085 with valine.
Molecular consequence: missense variant.
Genome position (GRCh38, 1-based): chr10:27,035,196, T>A on the plus strand (A>T on the coding strand, the complement: ANKRD26 is on the minus strand). VCF-style: chr10-27035196-T-A. GRCh37 (hg19) VCF-style: chr10-27324125-T-A.
Other names: c.3251A>T, p.Asp1084Val (NM_001256053.2); short protein forms D1084V, D1085V.
Identifiers: ClinVar variation 3729982 (VCV003729982.3).

ClinVar aggregate classification (germline): Uncertain significance. Review status: criteria provided, multiple submitters, no conflicts (2 of 4 stars). 2 submissions from 2 submitters: Uncertain significance (2). Last evaluated 2025-01-05.

Conditions:
Inborn genetic diseases. Identifiers: MedGen C0950123, MeSH D030342.

gnomAD v4.1: 2 of 1,614,088 alleles (0.00012%); highest among the groups gnomAD compares: Non-Finnish European, 0.00017%; no homozygotes.

Submissions (2):

Ambry Genetics
Classification: Uncertain significance for Inborn genetic diseases. Last evaluated: 2025-01-05. Review status: criteria provided, single submitter. Criteria: Ambry Variant Classification Scheme 2023. Collection method: clinical testing. Allele origin: germline.
Comment: The p.D1085V variant (also known as c.3254A>T), located in coding exon 24 of the ANKRD26 gene, results from an A to T substitution at nucleotide position 3254. The aspartic acid at codon 1085 is replaced by valine, an amino acid with highly dissimilar properties. This amino acid position is conserved. In addition, this alteration is predicted to be tolerated by in silico analysis. Based on the available evidence, the clinical significance of this variant remains unclear.

Labcorp Genetics (formerly Invitae), Labcorp
Classification: Uncertain significance. Last evaluated: 2024-09-10. Review status: criteria provided, single submitter. Criteria: Invitae Variant Classification Sherloc (09022015). Collection method: clinical testing. Allele origin: germline.
Comment: This sequence change replaces aspartic acid, which is acidic and polar, with valine, which is neutral and non-polar, at codon 1085 of the ANKRD26 protein (p.Asp1085Val). This variant is not present in population databases (gnomAD no frequency). This variant has not been reported in the literature in individuals affected with ANKRD26-related conditions. An algorithm developed to predict the effect of missense changes on protein structure and function (PolyPhen-2) suggests that this variant is likely to be disruptive. In summary, the available evidence is currently insufficient to determine the role of this variant in disease. Therefore, it has been classified as a Variant of Uncertain Significance.